The following is an entry in ClinVar:

NM_001375567.1(FOCAD):c.5284G>A (p.Glu1762Lys)

Gene: FOCAD (focadhesin; plus strand). Cytogenetic location: 9p21.3.
Variant type: single nucleotide variant.
Coding change: c.5284G>A on transcript NM_001375567.1 (MANE Select); coding-DNA position 5284, G replaced by A.
Protein change: p.Glu1762Lys; replaces glutamic acid 1762 with lysine.
Molecular consequence: missense variant.
Genome position (GRCh38, 1-based): chr9:20,993,280, G>A. VCF-style: chr9-20993280-G-A. GRCh37 (hg19) VCF-style: chr9-20993279-G-A.
Other names: c.5179G>A, p.Glu1727Lys (NM_001375568.1, NM_001375570.1); c.5284G>A, p.Glu1762Lys (NM_017794.5); short protein forms E1727K, E1762K.
Identifiers: ClinVar variation 3355707 (VCV003355707.1).

ClinVar aggregate classification (germline): Uncertain significance (0 of 4 stars; one submission).

Conditions:
FOCAD-related disorder. Also called: FOCAD-related condition.

gnomAD v4.1: 2 of 1,613,930 alleles (0.00012%); highest among the groups gnomAD compares: Non-Finnish European, 0.00017%; no homozygotes.

Submission:

PreventionGenetics, part of Exact Sciences
Classification: Uncertain significance for FOCAD-related condition. Last evaluated: 2024-08-07. Review status: no assertion criteria provided. Collection method: clinical testing. Allele origin: germline.
Comment: The FOCAD c.5284G>A variant is predicted to result in the amino acid substitution p.Glu1762Lys. To our knowledge, this variant has not been reported in the literature. This variant is reported in 0.0018% of alleles in individuals of European (Non-Finnish) descent in gnomAD. This variant is not listed in ClinVar. At this time, the clinical significance of this variant is uncertain due to the absence of conclusive functional and genetic evidence.